The following is an entry in ClinVar:

ClinVar aggregate classification (germline): Uncertain significance (1 of 4 stars; one submission).

Conditions:
Tuberous sclerosis 1 (TSC1). Identifiers: Orphanet 805, MedGen C1854465, MONDO:0008612, OMIM 191100.

Submission:

Labcorp Genetics (formerly Invitae), Labcorp
Classification: Uncertain significance for Tuberous sclerosis 1. Last evaluated: 2020-08-17. Review status: criteria provided, single submitter. Criteria: Invitae Variant Classification Sherloc (09022015). Collection method: clinical testing. Allele origin: germline.
Comment: In summary, the available evidence is currently insufficient to determine the role of this variant in disease. Therefore, it has been classified as a Variant of Uncertain Significance. Algorithms developed to predict the effect of missense changes on protein structure and function are either unavailable or do not agree on the potential impact of this missense change (SIFT: "Deleterious"; PolyPhen-2: "Possibly Damaging"; Align-GVGD: "Class C0"). This variant has not been reported in the literature in individuals with TSC1-related conditions. This variant is not present in population databases (ExAC no frequency). This sequence change replaces glutamic acid with valine at codon 757 of the TSC1 protein (p.Glu757Val). The glutamic acid residue is highly conserved and there is a moderate physicochemical difference between glutamic acid and valine.

NM_000368.5(TSC1):c.2270A>T (p.Glu757Val)

Gene: TSC1 (TSC complex subunit 1; minus strand). Cytogenetic location: 9q34.13.
Variant type: single nucleotide variant.
Coding change: c.2270A>T on transcript NM_000368.5 (MANE Select); coding-DNA position 2270, A replaced by T.
Protein change: p.Glu757Val; replaces glutamic acid 757 with valine.
Molecular consequence: missense variant.
Genome position (GRCh38, 1-based): chr9:132,902,726, T>A on the plus strand (A>T on the coding strand, the complement: TSC1 is on the minus strand). VCF-style: chr9-132902726-T-A. GRCh37 (hg19) VCF-style: chr9-135778113-T-A.
Other names: c.2267A>T, p.Glu756Val (NM_001162426.2); c.2117A>T, p.Glu706Val (NM_001162427.2); c.1907A>T, p.Glu636Val (NM_001362177.2); short protein forms E636V, E706V, E756V, E757V.
Identifiers: ClinVar variation 1003058 (VCV001003058.8), dbSNP rs1845452248, ClinGen allele CA375359823.
Genomic context (GRCh38, chr9:132,902,726, plus strand): 5'-CTGTGGAGCTTGGTTACCATAGTGTCACGCTGCTCCTGGAGCTGATTGTATCTAGCTTGT[T>A]CTTTCTGCAGACTAACCTTCCACATCTGGATGTCCTTCTCTTGTAACTTCAACTGATCTT-3'
Protein context (NP_000359.1, residues 747-767): IQMWKVSLQK[Glu757Val]QARYNQLQEQ